The following is an entry in ClinVar:

NM_006329.4(FBLN5):c.1229T>C (p.Ile410Thr)

Gene: FBLN5 (fibulin 5; minus strand). Cytogenetic location: 14q32.12.
Variant type: single nucleotide variant.
Coding change: c.1229T>C on transcript NM_006329.4 (MANE Select); coding-DNA position 1229, T replaced by C.
Protein change: p.Ile410Thr; replaces isoleucine 410 with threonine.
Molecular consequence: missense variant. On other transcripts: 3 prime UTR variant (2).
Genome position (GRCh38, 1-based): chr14:91,870,342, A>G on the plus strand (T>C on the coding strand, the complement: FBLN5 is on the minus strand). VCF-style: chr14-91870342-A-G. GRCh37 (hg19) VCF-style: chr14-92336686-A-G.
Other names: c.1352T>C, p.Ile451Thr (NM_001384158.1); c.1280T>C, p.Ile427Thr (NM_001384159.1); c.*13T>C (NM_001384160.1, NM_001384161.1); c.1061T>C, p.Ile354Thr (NM_001384162.1); short protein forms I410T, I354T, I427T, I451T.
Identifiers: ClinVar variation 1462529 (VCV001462529.6), dbSNP rs201297086, ClinGen allele CA7312577.

ClinVar aggregate classification (germline): Uncertain significance (1 of 4 stars; one submission).

Allele frequency attached by ClinVar (database versions not stated): gnomAD 0.00001 and 0.00005; gnomAD exomes 0.00002 and 0.00012; TOPMed 0.00002; ExAC 0.00010; 1000 Genomes Project 30x 0.00047; 1000 Genomes Project 0.00060.
gnomAD v4.1: 31 of 1,614,110 alleles (0.0019%); highest among the groups gnomAD compares: East Asian, 0.067%; no homozygotes.

Submission:

Labcorp Genetics (formerly Invitae), Labcorp
Classification: Uncertain significance. Last evaluated: 2026-01-18. Review status: criteria provided, single submitter. Criteria: Invitae Variant Classification Sherloc (09022015). Collection method: clinical testing. Allele origin: germline.
Comment: This sequence change replaces isoleucine, which is neutral and non-polar, with threonine, which is neutral and polar, at codon 410 of the FBLN5 protein (p.Ile410Thr). This variant is present in population databases (rs201297086, gnomAD 0.2%). This variant has not been reported in the literature in individuals affected with FBLN5-related conditions. ClinVar contains an entry for this variant (Variation ID: 1462529). Invitae Evidence Modeling of protein sequence and biophysical properties (such as structural, functional, and spatial information, amino acid conservation, physicochemical variation, residue mobility, and thermodynamic stability) indicates that this missense variant is not expected to disrupt FBLN5 protein function with a negative predictive value of 80%. In summary, the available evidence is currently insufficient to determine the role of this variant in disease. Therefore, it has been classified as a Variant of Uncertain Significance.